The following is an entry in ClinVar:

NM_004818.3(DDX23):c.121T>C (p.Ser41Pro)

Gene: DDX23 (DEAD-box helicase 23; minus strand). Cytogenetic location: 12q13.12.
Variant type: single nucleotide variant.
Coding change: c.121T>C on transcript NM_004818.3 (MANE Select); coding-DNA position 121, T replaced by C.
Protein change: p.Ser41Pro; replaces serine 41 with proline.
Molecular consequence: missense variant.
Genome position (GRCh38, 1-based): chr12:48,845,662, A>G on the plus strand (T>C on the coding strand, the complement: DDX23 is on the minus strand). VCF-style: chr12-48845662-A-G. GRCh37 (hg19) VCF-style: chr12-49239445-A-G.
Other names: short protein forms S41P.
Identifiers: ClinVar variation 3602459 (VCV003602459.2).

ClinVar aggregate classification (germline): Uncertain significance (1 of 4 stars; one submission).

gnomAD v4.1: 2 of 1,614,196 alleles (0.00012%); highest among the groups gnomAD compares: Non-Finnish European, 0.00017%; no homozygotes.

Submission:

GeneDx
Classification: Uncertain significance. Last evaluated: 2026-09-21. Review status: criteria provided, single submitter. Criteria: GeneDx Variant Classification Process June 2021. Collection method: clinical testing. Allele origin: germline.
Comment: Not observed at significant frequency in large population cohorts (gnomAD); In silico analysis supports that this missense variant has a deleterious effect on protein structure/function; Has not been previously published as pathogenic or benign to our knowledge